The following is an entry in ClinVar:

NM_000073.3(CD3G):c.391G>T (p.Val131Phe)

Genes: CD3G (CD3 gamma subunit of T-cell receptor complex; plus strand), LOC126861358 (BRD4-independent group 4 enhancer GRCh37_chr11:118220212-118221411; plus strand). Cytogenetic location: 11q23.3.
Variant type: single nucleotide variant.
Coding change: c.391G>T on transcript NM_000073.3 (MANE Select); coding-DNA position 391, G replaced by T.
Protein change: p.Val131Phe; replaces valine 131 with phenylalanine.
Molecular consequence: missense variant.
Genome position (GRCh38, 1-based): chr11:118,350,635, G>T. VCF-style: chr11-118350635-G-T. GRCh37 (hg19) VCF-style: chr11-118221350-G-T.
Other names: short protein forms V131F.
Identifiers: ClinVar variation 302685 (VCV000302685.21), dbSNP rs3753058, ClinGen allele CA6302170.

ClinVar aggregate classification (germline): Benign/Likely benign. Review status: criteria provided, multiple submitters, no conflicts (2 of 4 stars). 8 submissions from 8 submitters: Benign (6); Likely benign (2). Last evaluated 2026-01-26.

Conditions:
Combined immunodeficiency due to CD3gamma deficiency. Also called: CD3-GAMMA DEFICIENCY; SCID-LIKE IMMUNODEFICIENCY, T CELL-PARTIAL, B CELL-POSITIVE, NK CELL-POSITIVE; Immunodeficiency 17; Immunodeficiency 17, CD3 gamma deficient. Identifiers: Orphanet 169082, MedGen C3810107, MONDO:0014276, OMIM 615607.

Allele frequency attached by ClinVar (database versions not stated): ESP Exome Variant Server 0.00439; gnomAD 0.16277 and 0.17735; TOPMed 0.16733; gnomAD exomes 0.21572; ExAC 0.21890; 1000 Genomes Project 30x 0.28435; 1000 Genomes Project 0.29752.
gnomAD v4.1: 291,446 of 1,613,004 alleles (18%); highest among the groups gnomAD compares: East Asian, 51%; 33,336 homozygotes.

Submissions (8):

Labcorp Genetics (formerly Invitae), Labcorp
Classification: Benign for Combined immunodeficiency due to CD3gamma deficiency. Last evaluated: 2026-01-26. Review status: criteria provided, single submitter. Criteria: Invitae Variant Classification Sherloc (09022015). Collection method: clinical testing. Allele origin: germline.

Women's Health and Genetics/Laboratory Corporation of America, LabCorp
Classification: Likely benign. Last evaluated: 2026-01-21. Review status: criteria provided, single submitter. Criteria: LabCorp Variant Classification Summary - May 2015. Collection method: clinical testing. Allele origin: germline.

Blueprint Genetics
Classification: Likely benign. Last evaluated: 2024-11-27. Review status: criteria provided, single submitter. Criteria: ACMG Guidelines, 2015. Collection method: clinical testing. Allele origin: germline.

Mayo Clinic Laboratories, Mayo Clinic
Classification: Benign. Last evaluated: 2022-09-06. Review status: criteria provided, single submitter. Criteria: ACMG Guidelines, 2015. Collection method: clinical testing. Allele origin: germline. Observed: 192 variant alleles.

Fulgent Genetics
Classification: Benign for Combined immunodeficiency due to CD3gamma deficiency. Last evaluated: 2022-02-07. Review status: criteria provided, single submitter. Criteria: ACMG Guidelines, 2015. Collection method: clinical testing. Allele origin: unknown.

Illumina Laboratory Services, Illumina
Classification: Benign for Combined immunodeficiency due to CD3gamma deficiency. Last evaluated: 2018-01-13. Review status: criteria provided, single submitter. Criteria: ICSL Variant Classification Criteria 13 December 2019. Collection method: clinical testing. Allele origin: germline.
Comment: This variant was observed in the ICSL laboratory as part of a predisposition screen in an ostensibly healthy population. It had not been previously curated by ICSL or reported in the Human Gene Mutation Database (HGMD: prior to June 1st, 2018), and was therefore a candidate for classification through an automated scoring system. Utilizing variant allele frequency, disease prevalence and penetrance estimates, and inheritance mode, an automated score was calculated to assess if this variant is too frequent to cause the disease. Based on the score and internal cut-off values, a variant classified as benign is not then subjected to further curation. The score for this variant resulted in a classification of benign for this disease.

Laboratory for Molecular Medicine, Mass General Brigham Personalized Medicine
Classification: Benign. Last evaluated: 2016-03-28. Review status: criteria provided, single submitter. Criteria: LMM Criteria. Collection method: clinical testing. Allele origin: germline.
Comment: Variant identified in a genome or exome case(s) and assessed due to predicted null impact of the variant or pathogenic assertions in the literature or databases. Disclaimer: This variant has not undergone full assessment. The following are preliminary notes: MAF

Breakthrough Genomics
Classification: Benign. Review status: criteria provided, single submitter. Criteria: ACMG Guidelines, 2015. Collection method: not provided. Allele origin: germline. Inheritance: Autosomal recessive inheritance. Affected: yes.